The following is an entry in ClinVar:

NM_000202.8(IDS):c.133G>A (p.Asp45Asn)

Gene: IDS (iduronate 2-sulfatase; minus strand). Cytogenetic location: Xq28.
Variant type: single nucleotide variant.
Coding change: c.133G>A on transcript NM_000202.8 (MANE Select); coding-DNA position 133, G replaced by A.
Protein change: p.Asp45Asn; replaces aspartic acid 45 with asparagine.
Molecular consequence: missense variant. On other transcripts: 5 prime UTR variant (1), non-coding transcript variant (1).
Genome position (GRCh38, 1-based): chrX:149,504,264, C>T on the plus strand (G>A on the coding strand, the complement: IDS is on the minus strand). VCF-style: chrX-149504264-C-T. GRCh37 (hg19) VCF-style: chrX-148585794-C-T.
Other names: c.-94G>A (NM_001166550.4); c.133G>A, p.Asp45Asn (NM_006123.5); short protein forms D45N.
Identifiers: ClinVar variation 3255838 (VCV003255838.2).

ClinVar aggregate classification (germline): Pathogenic (1 of 4 stars; one submission).

Conditions:
Mucopolysaccharidosis, MPS-II (MPS2). Also called: Hunter Syndrome; IDURONATE 2-SULFATASE DEFICIENCY; Mucopolysaccharidosis Type II; Mucopolysaccharidosis type 2; Attenuated MPS (subtype; formerly known as mild MPS II); Severe MPS II. Identifiers: Orphanet 580, Orphanet 79388, MedGen C0026705, MONDO:0010674, OMIM 309900.

Submission:

Laboratory of Diagnosis and Therapy of Lysosomal Disorders, University of Padova
Classification: Pathogenic for Mucopolysaccharidosis, MPS-II. Last evaluated: 2024-06-07. Review status: criteria provided, single submitter. Criteria: ACMG Guidelines, 2015. Collection method: literature only. Allele origin: germline. Affected: yes. Observed: 1 variant allele.
Comment: Located in a mutational hot spot and/or critical functional domain (PM1_Moderate), Absent from controls (or at low frequency) in gnomAD database (PM2_Moderate), Missense variant in a gene with a low rate of benign missense variation (PP2_Supporting), Multiple lines of computational evidence support a deleterious effect (PP3_Supporting), Patient’s phenotype or family history highly specific for the disease (PP4_Strong)

Classification method: ACMG Guidelines [PMID:25741868] with modifications

Literature cited by the submitters: PubMed 9875019.